The following is an entry in ClinVar:

NM_001110219.3(GJB6):c.294C>T (p.Tyr98=)

Gene: GJB6 (gap junction protein beta 6; minus strand). Cytogenetic location: 13q12.11.
Variant type: single nucleotide variant.
Coding change: c.294C>T on transcript NM_001110219.3 (MANE Select); coding-DNA position 294, C replaced by T.
Protein change: p.Tyr98=; no amino-acid change (tyrosine 98 retained).
Molecular consequence: synonymous variant.
Genome position (GRCh38, 1-based): chr13:20,223,187, G>A on the plus strand (C>T on the coding strand, the complement: GJB6 is on the minus strand). VCF-style: chr13-20223187-G-A. GRCh37 (hg19) VCF-style: chr13-20797326-G-A.
Other names: c.294C>T, p.Tyr98= (NM_001110220.3, NM_001110221.3, NM_001370090.1 and 3 more transcripts).
Identifiers: ClinVar variation 4532531 (VCV004532531.1).

ClinVar aggregate classification (germline): Uncertain significance (1 of 4 stars; one submission).

Submission:

GeneDx
Classification: Uncertain significance. Last evaluated: 2025-05-30. Review status: criteria provided, single submitter. Criteria: GeneDx Variant Classification Process June 2021. Collection method: clinical testing. Allele origin: germline. Affected: yes.
Comment: In silico analysis suggests that this variant does not alter splicing; Has not been previously published as pathogenic or benign to our knowledge